The following is an entry in ClinVar:

NM_000719.7(CACNA1C):c.1997C>A (p.Ser666Tyr)

Gene: CACNA1C (calcium voltage-gated channel subunit alpha1 C; plus strand). Cytogenetic location: 12p13.33.
Variant type: single nucleotide variant.
Coding change: c.1997C>A on transcript NM_000719.7 (MANE Select); coding-DNA position 1997, C replaced by A.
Protein change: p.Ser666Tyr; replaces serine 666 with tyrosine.
Molecular consequence: missense variant.
Genome position (GRCh38, 1-based): chr12:2,581,691, C>A. VCF-style: chr12-2581691-C-A. GRCh37 (hg19) VCF-style: chr12-2690857-C-A.
Other names: c.1997C>A, p.Ser666Tyr (NM_001129827.2, NM_001129829.2, NM_001129830.3 and 18 more transcripts); c.1988C>A, p.Ser663Tyr (NM_001129844.2); short protein forms S666Y, S663Y.
Identifiers: ClinVar variation 3718469 (VCV003718469.2).
Genomic context (GRCh38, chr12:2,581,691, plus strand): 5'-ACTCTGTGCGCTCCATCGCCTCCCTGCTCCTTCTCCTCTTCCTCTTCATCATCATCTTCT[C>A]CCTCCTGGGGATGCAGCTCTTTGGAGGAAAGTTCAACTTTGATGAGATGCAGACCCGGAG-3'
Protein context (NP_000710.5, residues 656-676): LLLFLFIIIF[Ser666Tyr]LLGMQLFGGK

ClinVar aggregate classification (germline): Uncertain significance (1 of 4 stars; one submission).

Conditions:
Long QT syndrome (LQTS). Identifiers: MedGen C0023976, MeSH D008133, MONDO:0002442. Disease mechanism: loss of function. Inheritance: Various modes of inheritance.

Submission:

Labcorp Genetics (formerly Invitae), Labcorp
Classification: Uncertain significance for Long QT syndrome. Last evaluated: 2024-10-22. Review status: criteria provided, single submitter. Criteria: Invitae Variant Classification Sherloc (09022015). Collection method: clinical testing. Allele origin: germline.
Comment: This sequence change replaces serine, which is neutral and polar, with tyrosine, which is neutral and polar, at codon 666 of the CACNA1C protein (p.Ser666Tyr). This variant is not present in population databases (gnomAD no frequency). This variant has not been reported in the literature in individuals affected with CACNA1C-related conditions. Invitae Evidence Modeling of protein sequence and biophysical properties (such as structural, functional, and spatial information, amino acid conservation, physicochemical variation, residue mobility, and thermodynamic stability) indicates that this missense variant is expected to disrupt CACNA1C protein function with a positive predictive value of 95%. In summary, the available evidence is currently insufficient to determine the role of this variant in disease. Therefore, it has been classified as a Variant of Uncertain Significance.